The following is an entry in ClinVar:

NM_002439.5(MSH3):c.1670A>T (p.Lys557Ile)

Gene: MSH3 (mutS homolog 3; plus strand). Cytogenetic location: 5q14.1.
Variant type: single nucleotide variant.
Coding change: c.1670A>T on transcript NM_002439.5 (MANE Select); coding-DNA position 1670, A replaced by T.
Protein change: p.Lys557Ile; replaces lysine 557 with isoleucine.
Molecular consequence: missense variant.
Genome position (GRCh38, 1-based): chr5:80,744,522, A>T. VCF-style: chr5-80744522-A-T. GRCh37 (hg19) VCF-style: chr5-80040341-A-T.
Other names: short protein forms K557I.
Identifiers: ClinVar variation 1777675 (VCV001777675.3), dbSNP rs779526052, ClinGen allele CA360274654.

ClinVar aggregate classification (germline): Uncertain significance (1 of 4 stars; one submission).

Conditions:
Hereditary cancer-predisposing syndrome. Also called: Neoplastic Syndromes, Hereditary; Tumor predisposition; Hereditary Cancer Syndrome; Hereditary neoplastic syndrome. Identifiers: Orphanet 140162, MedGen C0027672, MeSH D009386, MONDO:0015356.

Allele frequency attached by ClinVar (database versions not stated): TOPMed below 0.00001; gnomAD 0.00001.
gnomAD v4.1: 1 of 1,613,396 alleles (0.000062%); highest among the groups gnomAD compares: African/African-American, 0.0013%; no homozygotes.

Submission:

Ambry Genetics
Classification: Uncertain significance for Hereditary cancer-predisposing syndrome. Last evaluated: 2025-09-16. Review status: criteria provided, single submitter. Criteria: Ambry Variant Classification Scheme 2023. Collection method: clinical testing. Allele origin: germline.
Comment: The p.K557I variant (also known as c.1670A>T), located in coding exon 12 of the MSH3 gene, results from an A to T substitution at nucleotide position 1670. The lysine at codon 557 is replaced by isoleucine, an amino acid with dissimilar properties. This amino acid position is not well conserved in available vertebrate species. In addition, the in silico prediction for this alteration is inconclusive. Since supporting evidence is limited at this time, the clinical significance of this alteration remains unclear.